The following is an entry in ClinVar:

ClinVar aggregate classification (germline): Uncertain significance (1 of 4 stars; one submission).

Conditions:
Noonan syndrome 8 (NS8). Identifiers: Orphanet 648, MedGen C3809233, MONDO:0014143, OMIM 615355.

gnomAD v4.1: 3 of 1,614,090 alleles (0.00019%); highest among the groups gnomAD compares: Non-Finnish European, 0.00017%; no homozygotes.

Submission:

Labcorp Genetics (formerly Invitae), Labcorp
Classification: Uncertain significance for Noonan syndrome 8. Last evaluated: 2024-09-26. Review status: criteria provided, single submitter. Criteria: Invitae Variant Classification Sherloc (09022015). Collection method: clinical testing. Allele origin: germline.
Comment: This sequence change replaces arginine, which is basic and polar, with glutamine, which is neutral and polar, at codon 45 of the RIT1 protein (p.Arg45Gln). This variant is not present in population databases (gnomAD no frequency). This variant has not been reported in the literature in individuals affected with RIT1-related conditions. Invitae Evidence Modeling of protein sequence and biophysical properties (such as structural, functional, and spatial information, amino acid conservation, physicochemical variation, residue mobility, and thermodynamic stability) indicates that this missense variant is not expected to disrupt RIT1 protein function with a negative predictive value of 95%. In summary, the available evidence is currently insufficient to determine the role of this variant in disease. Therefore, it has been classified as a Variant of Uncertain Significance.

NM_006912.6(RIT1):c.134G>A (p.Arg45Gln)

Gene: RIT1 (Ras like without CAAX 1; minus strand). Cytogenetic location: 1q22.
Variant type: single nucleotide variant.
Coding change: c.134G>A on transcript NM_006912.6 (MANE Select); coding-DNA position 134, G replaced by A.
Protein change: p.Arg45Gln; replaces arginine 45 with glutamine.
Molecular consequence: missense variant.
Genome position (GRCh38, 1-based): chr1:155,910,479, C>T on the plus strand (G>A on the coding strand, the complement: RIT1 is on the minus strand). VCF-style: chr1-155910479-C-T. GRCh37 (hg19) VCF-style: chr1-155880270-C-T.
Other names: c.26G>A, p.Arg9Gln (NM_001256820.2); c.185G>A, p.Arg62Gln (NM_001256821.2); short protein forms R62Q, R45Q, R9Q.
Identifiers: ClinVar variation 3703692 (VCV003703692.2).